The following is an entry in ClinVar:

ClinVar aggregate classification (germline): Pathogenic (1 of 4 stars; one submission).

Submission:

Athena Diagnostics
Classification: Pathogenic. Last evaluated: 2024-12-23. Review status: criteria provided, single submitter. Criteria: Athena Diagnostics Criteria. Collection method: clinical testing. Allele origin: unknown.
Comment: This variant is expected to result in the loss of a functional protein. Similar deletions of exon 12 have been reported primarily in patients with Duchenne muscular dystrophy (DMD), but also in at least one family with Becker muscular dystrophy (BMD; PMID: 8543940), or in individuals where the type of dystrophinopathy was not specified. Similar deletions of exon 12 have not been reported in large, multi-ethnic general populations (Genome Aggregation Database (gnomAD), Cambridge, MA (URL)).

Literature cited by the submitters: PubMed 8543940; PubMed 16030524; PubMed 18353051; PubMed 19937601; PubMed 10619712; PubMed 16049303; PubMed 34802424; PubMed 36361501; PubMed 17854090; PubMed 34297739; PubMed 32962870; PubMed 26968818; PubMed 19367636; PubMed 33101180; PubMed 31081998; PubMed 20485447; PubMed 31139960; PubMed 32194622; PubMed 29973226; PubMed 31705731; PubMed 17561468; PubMed 28116794; PubMed 27593222; PubMed 35396091.

Single allele

Gene: DMD (dystrophin; minus strand). Cytogenetic location: Xp21.1.
Variant type: Deletion.
Identifiers: ClinVar variation 4682459 (VCV004682459.1).